The following is an entry in ClinVar:

NM_005422.4(TECTA):c.5672C>T (p.Thr1891Met)

Genes: TBCEL-TECTA (TBCEL-TECTA readthrough; plus strand), TECTA (tectorin alpha; plus strand). Cytogenetic location: 11q23.3.
Variant type: single nucleotide variant.
Coding change: c.5672C>T on transcript NM_005422.4 (MANE Select); coding-DNA position 5672, C replaced by T.
Protein change: p.Thr1891Met; replaces threonine 1891 with methionine.
Molecular consequence: missense variant.
Genome position (GRCh38, 1-based): chr11:121,168,139, C>T. VCF-style: chr11-121168139-C-T. GRCh37 (hg19) VCF-style: chr11-121038848-C-T.
Other names: c.6614C>T, p.Thr2205Met (NM_001378761.1); short protein forms T1891M, T2205M.
Identifiers: ClinVar variation 1982177 (VCV001982177.21), dbSNP rs200977539, ClinGen allele CA6327796.
Genomic context (GRCh38, chr11:121,168,139, plus strand): 5'-AAAACACACTCTGGATCGAAAGCGCCAACAACACTGGCAACATCATCACCAGGGACCGCA[C>T]GATCAATGTGGAATTTTCATGTGCTTATGAGCTGGATATCAAGATCTCCTTGGATTCTGT-3'
Protein context (NP_005413.2, residues 1881-1901): NTGNIITRDR[Thr1891Met]INVEFSCAYE

ClinVar aggregate classification (germline): Conflicting classifications of pathogenicity. Review status: criteria provided, conflicting classifications (1 of 4 stars). 4 submissions from 4 submitters: Uncertain significance (3); Benign (1). Last evaluated 2026-04-01.

Conditions:
TECTA-related disorder. Also called: TECTA-related condition.

Allele frequency attached by ClinVar (database versions not stated): ESP Exome Variant Server 0.00008; TOPMed 0.00011; ExAC 0.00016; 1000 Genomes Project 30x 0.00047; 1000 Genomes Project 0.00060.
gnomAD v4.1: 97 of 1,614,166 alleles (0.006%); highest among the groups gnomAD compares: Middle Eastern, 0.049%; no homozygotes.

Submissions (4):

GeneDx
Classification: Uncertain significance. Last evaluated: 2026-04-01. Review status: criteria provided, single submitter. Criteria: GeneDx Variant Classification Process June 2021. Collection method: clinical testing. Allele origin: germline.
Comment: In silico analysis suggests that this missense variant does not alter protein structure/function; Reported in an individual with hearing loss in the literature (PMID: 34599366); however, detailed clinical information was not provided; This variant is associated with the following publications: (PMID: 34599366, 21520338, 31554319, 9590290, 16718611)

PreventionGenetics, part of Exact Sciences
Classification: Uncertain significance for TECTA-related condition. Last evaluated: 2025-10-14. Review status: criteria provided, single submitter. Criteria: ACMG Guidelines, 2015. Collection method: clinical testing. Allele origin: germline.
Comment: The TECTA c.5672C>T variant is predicted to result in the amino acid substitution p.Thr1891Met. This variant was reported in an individual with nonsyndromic hearing loss (Table S2, Usami et al. 2022. PubMed ID: 34599366). This variant is reported in 0.044% of alleles in individuals of African descent in gnomAD. At this time, the clinical significance of this variant is uncertain due to the absence of conclusive functional and genetic evidence.

CeGaT Center for Human Genetics Tuebingen
Classification: Uncertain significance. Last evaluated: 2024-10-01. Review status: criteria provided, single submitter. Criteria: CeGaT Center For Human Genetics Tuebingen Variant Classification Criteria Version 2. Collection method: clinical testing. Allele origin: germline. Affected: yes. Observed: 1 variant allele.
Comment: TECTA: PM2:Supporting

Labcorp Genetics (formerly Invitae), Labcorp
Classification: Benign. Last evaluated: 2024-07-04. Review status: criteria provided, single submitter. Criteria: Invitae Variant Classification Sherloc (09022015). Collection method: clinical testing. Allele origin: germline.